The following is an entry in ClinVar:

ClinVar aggregate classification (germline): Uncertain significance (1 of 4 stars; one submission).

Conditions:
STAT4-related disorder. Also called: STAT4-related condition.

Submission:

PreventionGenetics, part of Exact Sciences
Classification: Uncertain significance for STAT4-related condition. Last evaluated: 2025-12-06. Review status: criteria provided, single submitter. Criteria: ACMG Guidelines, 2015. Collection method: clinical testing. Allele origin: germline.
Comment: The STAT4 c.206G>T variant is predicted to result in the amino acid substitution p.Gly69Val. To our knowledge, this variant has not been reported in the literature or in a large population database (gnomAD), indicating this variant is rare. At this time, the clinical significance of this variant is uncertain due to the absence of conclusive functional and genetic evidence.

NM_003151.4(STAT4):c.206G>T (p.Gly69Val)

Gene: STAT4 (signal transducer and activator of transcription 4; minus strand). Cytogenetic location: 2q32.3.
Variant type: single nucleotide variant.
Coding change: c.206G>T on transcript NM_003151.4 (MANE Select); coding-DNA position 206, G replaced by T.
Protein change: p.Gly69Val; replaces glycine 69 with valine.
Molecular consequence: missense variant.
Genome position (GRCh38, 1-based): chr2:191,146,680, C>A on the plus strand (G>T on the coding strand, the complement: STAT4 is on the minus strand). VCF-style: chr2-191146680-C-A. GRCh37 (hg19) VCF-style: chr2-192011406-C-A.
Other names: c.206G>T, p.Gly69Val (NM_001243835.2); short protein forms G69V.
Identifiers: ClinVar variation 4994126 (VCV004994126.1).